The following is an entry in ClinVar:

NM_002335.4(LRP5):c.4359C>T (p.Cys1453=)

Gene: LRP5 (LDL receptor related protein 5; plus strand). Cytogenetic location: 11q13.2.
Variant type: single nucleotide variant.
Coding change: c.4359C>T on transcript NM_002335.4 (MANE Select); coding-DNA position 4359, C replaced by T.
Protein change: p.Cys1453=; no amino-acid change (cysteine 1453 retained).
Molecular consequence: synonymous variant.
Genome position (GRCh38, 1-based): chr11:68,439,787, C>T. VCF-style: chr11-68439787-C-T. GRCh37 (hg19) VCF-style: chr11-68207255-C-T.
Other names: c.4359C>T (NM_002335.3); c.2616C>T, p.Cys872= (NM_001291902.2).
Identifiers: ClinVar variation 286369 (VCV000286369.14), dbSNP rs755205426, ClinGen allele CA6150339.
Genomic context (GRCh38, chr11:68,439,787, plus strand): 5'-CTTGGCTGAGCCTGGAAGCCACCTGACCTCCCCCGTCCCTTCCCTGCCAGGCATCGCATG[C>T]GGAAAGTCCATGATGAGCTCCGTGAGCCTGATGGGGGGCCGGGGCGGGGTGCCCCTCTAC-3'
Protein context (NP_002326.2, residues 1443-1463): SQHGPFTGIA[Cys1453=]GKSMMSSVSL

ClinVar aggregate classification (germline): Conflicting classifications of pathogenicity. Review status: criteria provided, conflicting classifications (1 of 4 stars). 4 submissions from 4 submitters: Uncertain significance (1); Likely benign (3). Last evaluated 2025-04-30.

Conditions:
LRP5-related disorder. Also called: LRP5-related condition.

Allele frequency attached by ClinVar (database versions not stated): TOPMed below 0.00001; gnomAD 0.00001 and 0.00003; gnomAD exomes 0.00003; ExAC 0.00006.

Submissions (4):

PreventionGenetics, part of Exact Sciences
Classification: Likely benign for LRP5-related condition. Last evaluated: 2025-04-30. Review status: criteria provided, single submitter. Criteria: ACMG Guidelines, 2015. Collection method: clinical testing. Allele origin: germline.
Comment: This variant is classified as likely benign based on ACMG/AMP sequence variant interpretation guidelines (Richards et al. 2015 PMID: 25741868, with internal and published modifications).

Labcorp Genetics (formerly Invitae), Labcorp
Classification: Likely benign. Last evaluated: 2024-08-15. Review status: criteria provided, single submitter. Criteria: Invitae Variant Classification Sherloc (09022015). Collection method: clinical testing. Allele origin: germline.

Blueprint Genetics
Classification: Likely benign. Last evaluated: 2022-02-18. Review status: criteria provided, single submitter. Criteria: ACMG Guidelines, 2015. Collection method: clinical testing. Allele origin: germline.

Eurofins Ntd Llc (ga)
Classification: Uncertain significance. Last evaluated: 2016-04-05. Review status: criteria provided, single submitter. Criteria: EGL Classification Definitions 2015. Collection method: clinical testing. Allele origin: germline. Observed: 1 variant allele, 1 heterozygote.